The following is an entry in ClinVar:

NM_030958.3(SLCO5A1):c.2168A>G (p.Gln723Arg)

Gene: SLCO5A1 (solute carrier organic anion transporter family member 5A1; minus strand). Cytogenetic location: 8q13.3.
Variant type: single nucleotide variant.
Coding change: c.2168A>G on transcript NM_030958.3 (MANE Select); coding-DNA position 2168, A replaced by G.
Protein change: p.Gln723Arg; replaces glutamine 723 with arginine.
Molecular consequence: missense variant. On other transcripts: 3 prime UTR variant (1).
Genome position (GRCh38, 1-based): chr8:69,673,248, T>C on the plus strand (A>G on the coding strand, the complement: SLCO5A1 is on the minus strand). VCF-style: chr8-69673248-T-C. GRCh37 (hg19) VCF-style: chr8-70585483-T-C.
Other names: c.*39A>G (NM_001146008.2); c.2003A>G, p.Gln668Arg (NM_001146009.1); short protein forms Q723R, Q668R.
Identifiers: ClinVar variation 4169549 (VCV004169549.2).

ClinVar aggregate classification (germline): Uncertain significance. Review status: criteria provided, multiple submitters, no conflicts (2 of 4 stars). 2 submissions from 2 submitters: Uncertain significance (2). Last evaluated 2025-08-21.

Submissions (2):

Ambry Genetics
Classification: Uncertain significance. Last evaluated: 2025-08-21. Review status: criteria provided, single submitter. Criteria: Ambry Variant Classification Scheme 2023. Collection method: clinical testing. Allele origin: germline.

Labcorp Genetics (formerly Invitae), Labcorp
Classification: Uncertain significance. Last evaluated: 2025-05-04. Review status: criteria provided, single submitter. Criteria: Invitae Variant Classification Sherloc (09022015). Collection method: clinical testing. Allele origin: germline.
Comment: This sequence change replaces glutamine, which is neutral and polar, with arginine, which is basic and polar, at codon 723 of the SLCO5A1 protein (p.Gln723Arg). This variant is not present in population databases (gnomAD no frequency). This variant has not been reported in the literature in individuals affected with SLCO5A1-related conditions. An algorithm developed to predict the effect of missense changes on protein structure and function (PolyPhen-2) suggests that this variant is likely to be tolerated. In summary, the available evidence is currently insufficient to determine the role of this variant in disease. Therefore, it has been classified as a Variant of Uncertain Significance.